The following is an entry in ClinVar:

NM_022124.6(CDH23):c.8027_8030del (p.Ala2676fs)

Genes: CDH23 (cadherin related 23; plus strand), LOC111982869 (Sharpr-MPRA regulatory region 2121; plus strand). Cytogenetic location: 10q22.1.
Variant type: Deletion.
Coding change: c.8027_8030del on transcript NM_022124.6 (MANE Select); coding-DNA positions 8027 to 8030, 4 bases deleted (CTCA; older notation c.8027_8030delCTCA).
Protein change: p.Ala2676fs; shifts the reading frame from alanine 2676.
Molecular consequence: frameshift variant.
Genome position (GRCh38, 1-based): chr10:71,805,960-71,805,963, CTCA deleted. VCF-style (leftmost placement, unchanged base first): chr10-71805959-GCTCA-G. GRCh37 (hg19) VCF-style: chr10-73565716-GCTCA-G.
Other names: c.1307_1310del, p.Ala436fs (NM_001171933.1, NM_001171934.1); short protein forms A2676fs, A436fs.
Identifiers: ClinVar variation 3601647 (VCV003601647.1).

ClinVar aggregate classification (germline): Likely pathogenic (1 of 4 stars; one submission).

Conditions:
Autosomal recessive nonsyndromic hearing loss 12. Also called: DEAFNESS, AUTOSOMAL RECESSIVE 12. Identifiers: Orphanet 90636, MedGen C1832394, MONDO:0011067, OMIM 601386.

Submission:

Institute of Rare Diseases, West China Hospital, Sichuan University
Classification: Likely pathogenic for Autosomal recessive nonsyndromic hearing loss 12. Last evaluated: 2025-01-09. Review status: criteria provided, single submitter. Criteria: ClinGen HL ACMG Specifications v1. Collection method: research. Allele origin: germline. Affected: yes.
Comment: PVS1;PM2_Supporting